The following is an entry in ClinVar:

NM_152468.5(TMC8):c.668+5_668+6delinsAC

Gene: TMC8 (transmembrane channel like 8; plus strand). Cytogenetic location: 17q25.3.
Variant type: Indel.
Coding change: c.668+5_668+6delinsAC on transcript NM_152468.5 (MANE Select); bases 5 to 6 of the intron after coding-DNA position 668, GA replaced by AC.
Molecular consequence: intron variant.
Genome position (GRCh38, 1-based): chr17:78,133,547-78,133,548, GA replaced by AC. VCF-style: chr17-78133547-GA-AC. GRCh37 (hg19) VCF-style: chr17-76129628-GA-AC.
Other names: c.668+5_668+6delGAinsAC (NM_152468.4).
Identifiers: ClinVar variation 579012 (VCV000579012.8), dbSNP rs1568016780, ClinGen allele CA891843531.

ClinVar aggregate classification (germline): Uncertain significance (1 of 4 stars; one submission).

Conditions:
Epidermodysplasia verruciformis. Identifiers: Orphanet 302, MedGen C0014522, MONDO:0009176.

Submission:

Labcorp Genetics (formerly Invitae), Labcorp
Classification: Uncertain significance for Epidermodysplasia verruciformis. Last evaluated: 2018-06-02. Review status: criteria provided, single submitter. Criteria: Invitae Variant Classification Sherloc (09022015). Collection method: clinical testing. Allele origin: germline.
Comment: This sequence change falls in intron 6 of the TMC8 gene. It does not directly change the encoded amino acid sequence of the TMC8 protein, but it affects a nucleotide within the consensus splice site of the intron. This variant is not present in population databases (ExAC no frequency). This variant has not been reported in the literature in individuals with TMC8-related disease. Nucleotide substitutions within the consensus splice site are a relatively common cause of aberrant splicing (PMID: 17576681, 9536098). Algorithms developed to predict the effect of sequence changes on RNA splicing suggest that this variant may disrupt the consensus splice site, but this prediction has not been confirmed by published transcriptional studies. In summary, the available evidence is currently insufficient to determine the role of this variant in disease. Therefore, it has been classified as a Variant of Uncertain Significance.

Literature cited by the submitters: PubMed 17576681; PubMed 9536098.